The following is an entry in ClinVar:

NM_004260.4(RECQL4):c.2707del (p.Ala903fs)

Gene: RECQL4 (RecQ like helicase 4; minus strand). Cytogenetic location: 8q24.3.
Variant type: Deletion.
Coding change: c.2707del on transcript NM_004260.4 (MANE Select); coding-DNA position 2707, one base deleted (G; older notation c.2707delG).
Protein change: p.Ala903fs; shifts the reading frame from alanine 903.
Molecular consequence: frameshift variant.
Genome position (GRCh38, 1-based): chr8:144,512,895, C deleted on the plus strand (G on the coding strand, the reverse complement: RECQL4 is on the minus strand); the first of 3 consecutive C bases (chr8:144,512,895-144,512,897); deleting any one gives the same sequence. VCF-style (leftmost placement, unchanged base first): chr8-144512894-GC-G. GRCh37 (hg19) VCF-style: chr8-145738277-GC-G.
Other names: c.2411delG, p.Ala805Hisfs (NM_001413017.1); c.2507delG, p.Ala837Hisfs (NM_001413018.1); c.2705delG, p.Ala903Hisfs (NM_001413019.1, NM_001413036.1); c.2609delG, p.Ala871Hisfs (NM_001413020.1); c.1634delG, p.Ala546Hisfs (NM_001413021.1, NM_001413022.1, NM_001413023.1 and 5 more transcripts); c.2576delG, p.Ala860Hisfs (NM_001413025.1); c.1568delG, p.Ala524Hisfs (NM_001413027.1, NM_001413030.1, NM_001413032.1 and 1 more transcripts); c.2354delG, p.Ala786Hisfs (NM_001413029.1); and 6 more; short protein forms A903fs.
Identifiers: ClinVar variation 2027771 (VCV002027771.4), dbSNP rs2537997706, ClinGen allele CA2580078837.

ClinVar aggregate classification (germline): Pathogenic (1 of 4 stars; one submission).

Conditions:
Baller-Gerold syndrome (BGS). Also called: CRANIOSYNOSTOSIS WITH RADIAL DEFECTS. Identifiers: Orphanet 1225, MedGen C0265308, MONDO:0009039, OMIM 218600.

Submission:

Labcorp Genetics (formerly Invitae), Labcorp
Classification: Pathogenic for Baller-Gerold syndrome. Last evaluated: 2023-02-10. Review status: criteria provided, single submitter. Criteria: Invitae Variant Classification Sherloc (09022015). Collection method: clinical testing. Allele origin: germline.
Comment: This variant has not been reported in the literature in individuals affected with RECQL4-related conditions. This variant is not present in population databases (gnomAD no frequency). This sequence change creates a premature translational stop signal (p.Ala903Hisfs*45) in the RECQL4 gene. It is expected to result in an absent or disrupted protein product. Loss-of-function variants in RECQL4 are known to be pathogenic (PMID: 12734318, 12952869). For these reasons, this variant has been classified as Pathogenic.

Literature cited by the submitters: PubMed 12734318; PubMed 12952869.